The following is an entry in ClinVar:

NM_004104.5(FASN):c.4427A>G (p.Asn1476Ser)

Gene: FASN (fatty acid synthase; minus strand). Cytogenetic location: 17q25.3.
Variant type: single nucleotide variant.
Coding change: c.4427A>G on transcript NM_004104.5 (MANE Select); coding-DNA position 4427, A replaced by G.
Protein change: p.Asn1476Ser; replaces asparagine 1476 with serine.
Molecular consequence: missense variant.
Genome position (GRCh38, 1-based): chr17:82,084,936, T>C on the plus strand (A>G on the coding strand, the complement: FASN is on the minus strand). VCF-style: chr17-82084936-T-C. GRCh37 (hg19) VCF-style: chr17-80042812-T-C.
Other names: short protein forms N1476S.
Identifiers: ClinVar variation 1431024 (VCV001431024.8), dbSNP rs1317008880, ClinGen allele CA401546845.
Genomic context (GRCh38, chr17:82,084,936, plus strand): 5'-ACCTTCTGCAGTTCTGCGGAGCCCGGGTCCACCTCCGGGACGTGGGAGGTGCTGCTGAGG[T>C]TGGAGAGCAGCACACACCTGGGGGCAGAGGCGGGGAGCTCAGGCTGGGGATGGGGAGGCT-3'
Protein context (NP_004095.4, residues 1466-1486): GNRLRCVLLS[Asn1476Ser]LSSTSHVPEV

ClinVar aggregate classification (germline): Uncertain significance (1 of 4 stars; one submission).

Conditions:
Epileptic encephalopathy. Identifiers: MedGen C0543888, HP:0200134.

Allele frequency attached by ClinVar (database versions not stated): TOPMed below 0.00001.
gnomAD v4.1: 2 of 1,555,774 alleles (0.00013%); highest among the groups gnomAD compares: African/African-American, 0.0027%; no homozygotes.

Submission:

Labcorp Genetics (formerly Invitae), Labcorp
Classification: Uncertain significance for Epileptic encephalopathy. Last evaluated: 2024-09-30. Review status: criteria provided, single submitter. Criteria: Invitae Variant Classification Sherloc (09022015). Collection method: clinical testing. Allele origin: germline.
Comment: This sequence change replaces asparagine, which is neutral and polar, with serine, which is neutral and polar, at codon 1476 of the FASN protein (p.Asn1476Ser). This variant is not present in population databases (gnomAD no frequency). This variant has not been reported in the literature in individuals affected with FASN-related conditions. ClinVar contains an entry for this variant (Variation ID: 1431024). An algorithm developed to predict the effect of missense changes on protein structure and function outputs the following: PolyPhen-2: "Benign". The serine amino acid residue is found in multiple mammalian species, which suggests that this missense change does not adversely affect protein function. In summary, the available evidence is currently insufficient to determine the role of this variant in disease. Therefore, it has been classified as a Variant of Uncertain Significance.